The following is an entry in ClinVar:

ClinVar aggregate classification (germline): Uncertain significance. Review status: criteria provided, multiple submitters, no conflicts (2 of 4 stars). 2 submissions from 2 submitters: Uncertain significance (2). Last evaluated 2025-10-08.

Conditions:
Inborn genetic diseases. Identifiers: MedGen C0950123, MeSH D030342.

gnomAD v4.1: 2 of 1,614,010 alleles (0.00012%); highest among the groups gnomAD compares: Non-Finnish European, 0.00017%; no homozygotes.

Submissions (2):

Quest Diagnostics Nichols Institute San Juan Capistrano
Classification: Uncertain significance. Last evaluated: 2025-10-08. Review status: criteria provided, single submitter. Criteria: Quest Diagnostics criteria. Collection method: clinical testing. Allele origin: unknown.
Comment: The VWF c.853T>C (p.Trp285Arg) variant, to the best of our knowledge, has not been reported in the published literature. The frequency of this variant in the general population (Genome Aggregation Database) is uninformative in the assessment of its pathogenicity. Analysis of this variant using bioinformatics tools for the prediction of the effect of amino acid changes on protein structure and function yielded predictions that this variant is damaging. Based on the available information, we are unable to determine the clinical significance of this variant.

Ambry Genetics
Classification: Uncertain significance for Inborn genetic diseases. Last evaluated: 2024-11-07. Review status: criteria provided, single submitter. Criteria: Ambry Variant Classification Scheme 2023. Collection method: clinical testing. Allele origin: germline.

NM_000552.5(VWF):c.853T>C (p.Trp285Arg)

Gene: VWF (von Willebrand factor; minus strand). Cytogenetic location: 12p13.31.
Variant type: single nucleotide variant.
Coding change: c.853T>C on transcript NM_000552.5 (MANE Select); coding-DNA position 853, T replaced by C.
Protein change: p.Trp285Arg; replaces tryptophan 285 with arginine.
Molecular consequence: missense variant.
Genome position (GRCh38, 1-based): chr12:6,075,356, A>G on the plus strand (T>C on the coding strand, the complement: VWF is on the minus strand). VCF-style: chr12-6075356-A-G. GRCh37 (hg19) VCF-style: chr12-6184522-A-G.
Other names: c.853T>C (NM_000552.4); short protein forms W285R.
Identifiers: ClinVar variation 3468920 (VCV003468920.2).